The following is an entry in ClinVar:

NM_206933.4(USH2A):c.11054G>C (p.Trp3685Ser)

Gene: USH2A (usherin; minus strand). Cytogenetic location: 1q41.
Variant type: single nucleotide variant.
Coding change: c.11054G>C on transcript NM_206933.4 (MANE Select); coding-DNA position 11054, G replaced by C.
Protein change: p.Trp3685Ser; replaces tryptophan 3685 with serine.
Molecular consequence: missense variant.
Genome position (GRCh38, 1-based): chr1:215,759,837, C>G on the plus strand (G>C on the coding strand, the complement: USH2A is on the minus strand). VCF-style: chr1-215759837-C-G. GRCh37 (hg19) VCF-style: chr1-215933179-C-G.
Other names: short protein forms W3685S.
Identifiers: ClinVar variation 2154566 (VCV002154566.1), dbSNP rs749154377, ClinGen allele CA1393825.

ClinVar aggregate classification (germline): Uncertain significance (1 of 4 stars; one submission).

Allele frequency attached by ClinVar (database versions not stated): gnomAD exomes below 0.00001; ExAC 0.00001.
gnomAD v4.1: 4 of 1,613,910 alleles (0.00025%); highest among the groups gnomAD compares: East Asian, 0.0067%; no homozygotes.

Submission:

Labcorp Genetics (formerly Invitae), Labcorp
Classification: Uncertain significance. Last evaluated: 2021-09-01. Review status: criteria provided, single submitter. Criteria: Invitae Variant Classification Sherloc (09022015). Collection method: clinical testing. Allele origin: germline.
Comment: This sequence change replaces tryptophan with serine at codon 3685 of the USH2A protein (p.Trp3685Ser). The tryptophan residue is highly conserved and there is a large physicochemical difference between tryptophan and serine. This variant is present in population databases (rs749154377, ExAC 0.01%). This variant has not been reported in the literature in individuals affected with USH2A-related conditions. Algorithms developed to predict the effect of missense changes on protein structure and function (SIFT, PolyPhen-2, Align-GVGD) all suggest that this variant is likely to be disruptive. In summary, the available evidence is currently insufficient to determine the role of this variant in disease. Therefore, it has been classified as a Variant of Uncertain Significance.